The following is an entry in ClinVar:

NM_022436.3(ABCG5):c.692T>C (p.Ile231Thr)

Genes: ABCG5 (ATP binding cassette subfamily G member 5; minus strand), DYNC2LI1 (dynein cytoplasmic 2 light intermediate chain 1; plus strand). Cytogenetic location: 2p21.
Variant type: single nucleotide variant.
Coding change: c.692T>C on transcript NM_022436.3 (MANE Select); coding-DNA position 692, T replaced by C.
Protein change: p.Ile231Thr; replaces isoleucine 231 with threonine.
Molecular consequence: missense variant. On other transcripts: intron variant (2).
Genome position (GRCh38, 1-based): chr2:43,826,464, A>G on the plus strand (T>C on the coding strand, the complement: ABCG5 is on the minus strand). VCF-style: chr2-43826464-A-G. GRCh37 (hg19) VCF-style: chr2-44053603-A-G.
Other names: c.*16-922A>G (NM_001348913.2, NM_001348912.2); short protein forms I231T.
Identifiers: ClinVar variation 808733 (VCV000808733.42), dbSNP rs778172526, ClinGen allele CA1636559.

ClinVar aggregate classification (germline): Uncertain significance. Review status: criteria provided, multiple submitters, no conflicts (2 of 4 stars). 4 submissions from 4 submitters: Uncertain significance (3). 1 of the submissions does not count toward it. Last evaluated 2025-08-17.

Conditions:
ABCG5-related disorder. Also called: ABCG5-related condition.
Sitosterolemia (STSL). Also called: PHYTOSTEROLEMIA. Identifiers: Orphanet 2882, MedGen C0342907, MONDO:0008863.
Abnormal bleeding. Also called: Bleeding diathesis. Identifiers: MedGen C1458140, HP:0001892.
Thrombocytopenia. Identifiers: MedGen C0040034, MeSH D013921, MONDO:0002049, HP:0001873.

Allele frequency attached by ClinVar (database versions not stated): ExAC 0.00001; gnomAD exomes 0.00001.
gnomAD v4.1: 4 of 1,614,184 alleles (0.00025%); highest among the groups gnomAD compares: Middle Eastern, 0.016%; no homozygotes.

Submissions (4):

PreventionGenetics, part of Exact Sciences
Classification: Uncertain significance for ABCG5-related condition. Last evaluated: 2025-08-17. Review status: criteria provided, single submitter. Criteria: ACMG Guidelines, 2015. Collection method: clinical testing. Allele origin: germline.
Comment: The ABCG5 c.692T>C variant is predicted to result in the amino acid substitution p.Ile231Thr. This variant was reported in an individual with familial Hypercholesterolemia (Table 2, Reeskamp et al. 2020. PubMed ID: 32088153) and an individual with a suspected bleeding disorder (Table 2, Almazni et al. 2020. PubMed ID: 32935436). This variant is reported in 0.0018% of alleles in individuals of European (Non-Finnish) descent in gnomAD. At this time, the clinical significance of this variant is uncertain due to the absence of conclusive functional and genetic evidence.

Labcorp Genetics (formerly Invitae), Labcorp
Classification: Uncertain significance for Sitosterolemia. Last evaluated: 2025-08-13. Review status: criteria provided, single submitter. Criteria: Invitae Variant Classification Sherloc (09022015). Collection method: clinical testing. Allele origin: germline.
Comment: This sequence change replaces isoleucine, which is neutral and non-polar, with threonine, which is neutral and polar, at codon 231 of the ABCG5 protein (p.Ile231Thr). This variant is not present in population databases (gnomAD no frequency). This missense change has been observed in individual(s) with familial hypercholesterolemia (PMID: 32088153). ClinVar contains an entry for this variant (Variation ID: 808733). An algorithm developed to predict the effect of missense changes on protein structure and function (PolyPhen-2) suggests that this variant is likely to be disruptive. In summary, the available evidence is currently insufficient to determine the role of this variant in disease. Therefore, it has been classified as a Variant of Uncertain Significance.

CeGaT Center for Human Genetics Tuebingen
Classification: Uncertain significance. Last evaluated: 2021-12-01. Review status: criteria provided, single submitter. Criteria: CeGaT Center For Human Genetics Tuebingen Variant Classification Criteria Version 2. Collection method: clinical testing. Allele origin: germline. Affected: yes. Observed: 2 variant alleles.

Birmingham Platelet Group; University of Birmingham
Classification: Uncertain significance for Thrombocytopenia; Abnormal bleeding. Last evaluated: 2020-05-01. Review status: no assertion criteria provided. Collection method: research. Allele origin: germline. Affected: yes. Not counted in ClinVar's aggregate classification.

Literature cited by the submitters: PubMed 32088153 (cited by Labcorp Genetics (formerly Invitae), Labcorp).